The following is an entry in ClinVar:

NM_207361.6(FREM2):c.*6289C>T

Gene: FREM2 (FRAS1 related extracellular matrix 2; plus strand). Cytogenetic location: 13q13.3.
Variant type: single nucleotide variant.
Coding change: c.*6289C>T on transcript NM_207361.6 (MANE Select); 6289 bases downstream of the stop codon, C replaced by T.
Molecular consequence: 3 prime UTR variant.
Genome position (GRCh38, 1-based): chr13:38,887,076, C>T. VCF-style: chr13-38887076-C-T. GRCh37 (hg19) VCF-style: chr13-39461213-C-T.
Identifiers: ClinVar variation 312122 (VCV000312122.5), dbSNP rs530348914, ClinGen allele CA10643465.

ClinVar aggregate classification (germline): Likely benign (1 of 4 stars; one submission).

Conditions:
Fraser syndrome 2 (FRASRS2). Identifiers: MedGen C4540036, MONDO:0054738, OMIM 617666.

Allele frequency attached by ClinVar (database versions not stated): 1000 Genomes Project 30x 0.00062; 1000 Genomes Project 0.00080; gnomAD 0.00241 and 0.00308; TOPMed 0.00409.

Submission:

Illumina Laboratory Services, Illumina
Classification: Likely benign for Fraser syndrome 2. Last evaluated: 2018-01-13. Review status: criteria provided, single submitter. Criteria: ICSL Variant Classification Criteria 13 December 2019. Collection method: clinical testing. Allele origin: germline.
Comment: This variant was observed in the ICSL laboratory as part of a predisposition screen in an ostensibly healthy population. It had not been previously curated by ICSL or reported in the Human Gene Mutation Database (HGMD: prior to June 1st, 2018), and was therefore a candidate for classification through an automated scoring system. Utilizing variant allele frequency, disease prevalence and penetrance estimates, and inheritance mode, an automated score was calculated to assess if this variant is too frequent to cause the disease. Based on the score and internal cut-off values, a variant classified as likely benign is not then subjected to further curation. The score for this variant resulted in a classification of likely benign for this disease.